The following is an entry in ClinVar:

NM_020975.6(RET):c.3253A>G (p.Thr1085Ala)

Gene: RET (ret proto-oncogene; plus strand). Cytogenetic location: 10q11.21.
Variant type: single nucleotide variant.
Coding change: c.3253A>G on transcript NM_020975.6 (MANE Select); coding-DNA position 3253, A replaced by G.
Protein change: p.Thr1085Ala; replaces threonine 1085 with alanine.
Molecular consequence: missense variant.
Genome position (GRCh38, 1-based): chr10:43,128,177, A>G. VCF-style: chr10-43128177-A-G. GRCh37 (hg19) VCF-style: chr10-43623625-A-G.
Other names: c.3253A>G (LRG_518t1); short protein forms T1085A.
Identifiers: ClinVar variation 183744 (VCV000183744.34), dbSNP rs756465544, ClinGen allele CA010930.

ClinVar aggregate classification (germline): Conflicting classifications of pathogenicity. Review status: criteria provided, conflicting classifications (1 of 4 stars). 17 submissions from 13 submitters: Uncertain significance (12); Benign (1); Likely benign (2). 2 of the submissions do not count toward it. Last evaluated 2026-02-03.

Conditions:
Multiple endocrine neoplasia. Identifiers: Orphanet 276161, MedGen C0027662, MONDO:0017169.
RET-related disorder. Also called: RET-related condition; RET-related disease; RET-related disorders.
Hereditary cancer-predisposing syndrome. Also called: Neoplastic Syndromes, Hereditary; Hereditary Cancer Syndrome; Tumor predisposition; Hereditary neoplastic syndrome. Identifiers: Orphanet 140162, MedGen C0027672, MeSH D009386, MONDO:0015356.
Multiple endocrine neoplasia, type 2 (MEN2). Identifiers: Orphanet 653, MedGen C4048306, MONDO:0019003. Disease mechanism: gain of function.
Multiple endocrine neoplasia type 2B. Also called: WAGENMANN-FROBOESE SYNDROME; MULTIPLE ENDOCRINE NEOPLASIA, TYPE III; Multiple endocrine neoplasia, type 3; MULTIPLE ENDOCRINE NEOPLASIA, TYPE IIB; MEN 2B; MEN IIB. Identifiers: Orphanet 247709, Orphanet 653, MedGen C0025269, MeSH D018814, MONDO:0008082, OMIM 162300.
Multiple endocrine neoplasia type 2A. Also called: MULTIPLE ENDOCRINE NEOPLASIA, TYPE IIA; PTC SYNDROME; SIPPLE SYNDROME; MEN 2A; MEN-2A syndrome; Pheochromocytoma and amyloid producing medullary thyroid carcinoma. Identifiers: Orphanet 247698, Orphanet 653, MedGen C0025268, MeSH D018813, MONDO:0008234, OMIM 171400.
Hirschsprung disease, susceptibility to, 1 (HSCR1). Also called: RET-Related Hirschsprung Disease. Identifiers: Orphanet 388, MedGen C3888239, MONDO:0007723, OMIM 142623.
Renal hypodysplasia/aplasia 1 (RHDA1). Also called: RENAL APLASIA; HEREDITARY RENAL APLASIA. Identifiers: Orphanet 411709, MedGen C1619700, MONDO:0024519, OMIM 191830.
Pheochromocytoma. Also called: MAX-Related Hereditary Paraganglioma-Pheochromocytoma Syndrome. Identifiers: Orphanet 29072, MedGen C0031511, MONDO:0008233, OMIM 171300, HP:0002666.

Allele frequency attached by ClinVar (database versions not stated): ExAC 0.00002; gnomAD 0.00004; gnomAD exomes 0.00002 and 0.00006; TOPMed 0.00003.
gnomAD v4.1: 91 of 1,614,060 alleles (0.0056%); highest among the groups gnomAD compares: Non-Finnish European, 0.0075%; no homozygotes.

Submissions (17):

Labcorp Genetics (formerly Invitae), Labcorp
Classification: Uncertain significance for Multiple endocrine neoplasia, type 2. Last evaluated: 2026-02-03. Review status: criteria provided, single submitter. Criteria: Invitae Variant Classification Sherloc (09022015). Collection method: clinical testing. Allele origin: germline.
Comment: This sequence change replaces threonine, which is neutral and polar, with alanine, which is neutral and non-polar, at codon 1085 of the RET protein (p.Thr1085Ala). This variant is present in population databases (rs756465544, gnomAD 0.004%). This variant has not been reported in the literature in individuals affected with RET-related conditions. ClinVar contains an entry for this variant (Variation ID: 183744). An algorithm developed to predict the effect of missense changes on protein structure and function (PolyPhen-2) suggests that this variant is likely to be tolerated. In summary, the available evidence is currently insufficient to determine the role of this variant in disease. Therefore, it has been classified as a Variant of Uncertain Significance.

PreventionGenetics, part of Exact Sciences
Classification: Uncertain significance for RET-related condition. Last evaluated: 2026-01-05. Review status: criteria provided, single submitter. Criteria: ACMG Guidelines, 2015. Collection method: clinical testing. Allele origin: germline.
Comment: The RET c.3253A>G variant is predicted to result in the amino acid substitution p.Thr1085Ala. To our knowledge, this variant has not been reported in the literature. This variant is reported in 0.0044% of alleles in individuals of European (Non-Finnish) descent in gnomAD and has conflicting interpretations regarding its pathogenicity in ClinVar, ranging from likely benign to uncertain (Variation ID: 183744). At this time, the clinical significance of this variant is uncertain due to the absence of conclusive functional and genetic evidence.

All of Us Research Program, National Institutes of Health
Classification: Uncertain significance for Multiple endocrine neoplasia, type 2. Last evaluated: 2024-09-23. Review status: criteria provided, single submitter. Criteria: ACMG Guidelines, 2015. Collection method: clinical testing. Allele origin: germline. Inheritance: Autosomal dominant inheritance. Observed: 15 variant alleles, 15 heterozygotes.
Comment: This missense variant replaces threonine with alanine at codon 1085 of the RET protein. Computational prediction suggests that this variant may not impact protein structure and function (internally defined REVEL score threshold <= 0.5, PMID: 27666373). To our knowledge, functional studies have not been reported for this variant. This variant has been reported in an individual affected with ovarian cancer (PMID: 32293499). This variant has been identified in 6/251496 chromosomes in the general population by the Genome Aggregation Database (gnomAD). The available evidence is insufficient to determine the role of this variant in disease conclusively. Therefore, this variant is classified as a Variant of Uncertain Significance.

This study involves interpretation of variants in research participants for the purpose of population health screening. Participant phenotype was not available at the time of variant classification. Additional details can be found in publication PMID: 35346344, PMCID: PMC8962531

Ambry Genetics
Classification: Benign for Hereditary cancer-predisposing syndrome. Last evaluated: 2024-08-08. Review status: criteria provided, single submitter. Criteria: Ambry Variant Classification Scheme 2023. Collection method: clinical testing. Allele origin: germline.

Color Diagnostics, LLC DBA Color Health
Classification: Uncertain significance for Multiple endocrine neoplasia, type 2. Last evaluated: 2024-07-31. Review status: criteria provided, single submitter. Criteria: ACMG Guidelines, 2015. Collection method: clinical testing. Allele origin: germline.
Comment: This missense variant replaces threonine with alanine at codon 1085 of the RET protein. Computational prediction suggests that this variant may not impact protein structure and function. To our knowledge, functional studies have not been reported for this variant. This variant has been reported in an individual affected with ovarian cancer (PMID: 32293499). This variant has been identified in 6/251496 chromosomes in the general population by the Genome Aggregation Database (gnomAD). The available evidence is insufficient to determine the role of this variant in disease conclusively. Therefore, this variant is classified as a Variant of Uncertain Significance.

GeneDx
Classification: Uncertain significance. Last evaluated: 2024-07-30. Review status: criteria provided, single submitter. Criteria: GeneDx Variant Classification Process June 2021. Collection method: clinical testing. Allele origin: germline.
Comment: In silico analysis indicates that this missense variant does not alter protein structure/function; Has not been previously published as pathogenic or benign to our knowledge; This variant is associated with the following publications: (PMID: 32293499, 14633923)

Baylor Genetics
Classification: Uncertain significance for Hirschsprung disease, susceptibility to, 1. Last evaluated: 2024-02-06. Review status: criteria provided, single submitter. Criteria: ACMG Guidelines, 2015. Collection method: clinical testing. Allele origin: unknown.

Revvity Omics, Revvity
Classification: Uncertain significance. Last evaluated: 2023-09-28. Review status: criteria provided, single submitter. Criteria: ACMG Guidelines, 2015. Collection method: clinical testing. Allele origin: germline.

St. Jude Molecular Pathology, St. Jude Children's Research Hospital
Classification: Uncertain significance for Multiple endocrine neoplasia type 2A. Last evaluated: 2022-08-16. Review status: criteria provided, single submitter. Criteria: St. Jude Assertion Criteria 2020. Collection method: clinical testing. Allele origin: germline.
Comment: The RET c.3253A>G (p.Thr1085Ala) missense change has a maximum subpopulation frequency of 0.0044 % in gnomAD v2.1.1. The in silico tool REVEL predicts a benign effect on protein function, but to our knowledge this prediction has not been confirmed by functional studies. To our knowledge, this variant has not been reported in the literature in individuals with multiple endocrine neoplasia type 2. In summary, the evidence currently available is insufficient to determine the clinical significance of this variant. It has therefore been classified as of uncertain significance.

Institute for Clinical Genetics, University Hospital TU Dresden, University Hospital TU Dresden
Classification: Uncertain significance. Last evaluated: 2021-11-03. Review status: criteria provided, single submitter. Criteria: ACMG Guidelines, 2015. Collection method: clinical testing. Allele origin: germline.

Quest Diagnostics Nichols Institute San Juan Capistrano
Classification: Uncertain significance. Last evaluated: 2021-09-01. Review status: criteria provided, single submitter. Criteria: Quest Diagnostics criteria. Collection method: clinical testing. Allele origin: unknown.

Illumina Laboratory Services, Illumina
Classification: Likely benign for Pheochromocytoma. Last evaluated: 2018-01-13. Review status: criteria provided, single submitter. Criteria: ICSL Variant Classification Criteria 13 December 2019. Collection method: clinical testing. Allele origin: germline.
Comment: This variant was observed in the ICSL laboratory as part of a predisposition screen in an ostensibly healthy population. It had not been previously curated by ICSL or reported in the Human Gene Mutation Database (HGMD: prior to June 1st, 2018), and was therefore a candidate for classification through an automated scoring system. Utilizing variant allele frequency, disease prevalence and penetrance estimates, and inheritance mode, an automated score was calculated to assess if this variant is too frequent to cause the disease. Based on the score and internal cut-off values, a variant classified as likely benign is not then subjected to further curation. The score for this variant resulted in a classification of likely benign for this disease.

Illumina Laboratory Services, Illumina
Classification: Likely benign for Multiple endocrine neoplasia. Last evaluated: 2018-01-13. Review status: criteria provided, single submitter. Criteria: ICSL Variant Classification Criteria 13 December 2019. Collection method: clinical testing. Allele origin: germline.
Comment: the same text as in the submission from Illumina Laboratory Services, Illumina above.

Illumina Laboratory Services, Illumina
Classification: Uncertain significance for Renal hypodysplasia/aplasia 1. Last evaluated: 2018-01-13. Review status: criteria provided, single submitter. Criteria: ICSL Variant Classification Criteria 13 December 2019. Collection method: clinical testing. Allele origin: germline.

Illumina Laboratory Services, Illumina
Classification: Uncertain significance for Hirschsprung disease, susceptibility to, 1. Last evaluated: 2018-01-13. Review status: criteria provided, single submitter. Criteria: ICSL Variant Classification Criteria 13 December 2019. Collection method: clinical testing. Allele origin: germline.

Counsyl
Classification: Uncertain significance for Multiple endocrine neoplasia type 2B. Last evaluated: 2015-11-24. Review status: no assertion criteria provided. Collection method: clinical testing. Allele origin: unknown. Not counted in ClinVar's aggregate classification.

Counsyl
Classification: Uncertain significance for Multiple endocrine neoplasia type 2A. Last evaluated: 2015-11-24. Review status: no assertion criteria provided. Collection method: clinical testing. Allele origin: unknown. Not counted in ClinVar's aggregate classification.

Literature cited by the submitters: PubMed 32293499 (cited by 3 submitters).